The following is an entry in ClinVar:

ClinVar aggregate classification (germline): Uncertain significance. Review status: criteria provided, single submitter (1 of 4 stars). 2 submissions from 2 submitters: Uncertain significance (1). 1 of the submissions does not count toward it. Last evaluated 2025-08-06.

Conditions:
Inborn genetic diseases. Identifiers: MedGen C0950123, MeSH D030342.
TRRAP-related disorder. Also called: TRRAP-related condition.

Submissions (2):

Ambry Genetics
Classification: Uncertain significance for Inborn genetic diseases. Last evaluated: 2025-08-06. Review status: criteria provided, single submitter. Criteria: Ambry Variant Classification Scheme 2023. Collection method: clinical testing. Allele origin: germline.

PreventionGenetics, part of Exact Sciences
Classification: Uncertain significance for TRRAP-related condition. Last evaluated: 2024-08-12. Review status: no assertion criteria provided. Collection method: clinical testing. Allele origin: germline. Not counted in ClinVar's aggregate classification.
Comment: The TRRAP c.3131G>A variant is predicted to result in the amino acid substitution p.Ser1044Asn. To our knowledge, this variant has not been reported in the literature or in gnomAD, indicating this variant is rare. At this time, the clinical significance of this variant is uncertain due to the absence of conclusive functional and genetic evidence.

NM_001375524.1(TRRAP):c.3131G>A (p.Ser1044Asn)

Gene: TRRAP (transformation/transcription domain associated protein; plus strand). Cytogenetic location: 7q22.1.
Variant type: single nucleotide variant.
Coding change: c.3131G>A on transcript NM_001375524.1 (MANE Select); coding-DNA position 3131, G replaced by A.
Protein change: p.Ser1044Asn; replaces serine 1044 with asparagine.
Molecular consequence: missense variant.
Genome position (GRCh38, 1-based): chr7:98,927,322, G>A. VCF-style: chr7-98927322-G-A. GRCh37 (hg19) VCF-style: chr7-98524945-G-A.
Other names: c.3131G>A, p.Ser1044Asn (NM_001244580.2, NM_003496.4); c.3131G>A (NM_001244580.1); short protein forms S1044N.
Identifiers: ClinVar variation 3352398 (VCV003352398.2).